The following is an entry in ClinVar:

ClinVar aggregate classification (germline): Uncertain significance (1 of 4 stars; one submission).

Allele frequency attached by ClinVar (database versions not stated): gnomAD exomes below 0.00001; TOPMed below 0.00001; ExAC 0.00001; gnomAD 0.00001.
gnomAD v4.1: 2 of 1,606,130 alleles (0.00012%); highest among the groups gnomAD compares: Non-Finnish European, 0.00017%; no homozygotes.

Submission:

GeneDx
Classification: Uncertain significance. Last evaluated: 2025-02-01. Review status: criteria provided, single submitter. Criteria: GeneDx Variant Classification Process June 2021. Collection method: clinical testing. Allele origin: germline. Affected: yes.
Comment: Nonsense variant predicted to result in protein truncation or nonsense mediated decay in a gene or region of a gene for which loss of function is not a well-established mechanism of disease; Has not been previously published as pathogenic or benign to our knowledge

NM_001378974.1(FBXW11):c.742C>T (p.Arg248Ter)

Gene: FBXW11 (F-box and WD repeat domain containing 11; minus strand). Cytogenetic location: 5q35.1.
Variant type: single nucleotide variant.
Coding change: c.742C>T on transcript NM_001378974.1 (MANE Select); coding-DNA position 742, C replaced by T.
Protein change: p.Arg248Ter; replaces arginine 248 with a stop codon.
Molecular consequence: nonsense.
Genome position (GRCh38, 1-based): chr5:171,891,577, G>A on the plus strand (C>T on the coding strand, the complement: FBXW11 is on the minus strand). VCF-style: chr5-171891577-G-A. GRCh37 (hg19) VCF-style: chr5-171318581-G-A.
Other names: c.673C>T, p.Arg225Ter (NM_001378975.1); c.646C>T, p.Arg216Ter (NM_001378976.1); c.583C>T, p.Arg195Ter (NM_001378977.1, NM_001378978.1, NM_001378979.1); c.577C>T, p.Arg193Ter (NM_001378980.1, NM_033645.3); c.679C>T, p.Arg227Ter (NM_012300.3); c.640C>T, p.Arg214Ter (NM_033644.3); short protein forms R193*, R195*, R214*, R216*, R225*, R227*, R248*.
Identifiers: ClinVar variation 1700293 (VCV001700293.3), dbSNP rs771934811, ClinGen allele CA3559338.
Genomic context (GRCh38, chr5:171,891,577, plus strand): 5'-GTAAACAGTAGACACCTTTACTATTTTCAGAGCGGCACTGAATCCTCTGCAAGTTGTGTC[G>A]TCCACACCGCCAGTTAGATTCTATAGTCTAGGGAAAAAAGGAGGCAAGAGATGAGTTTTT-3'